The following is an entry in ClinVar:

NM_004655.4(AXIN2):c.2259G>A (p.Leu753=)

Gene: AXIN2 (axin 2; minus strand). Cytogenetic location: 17q24.1.
Variant type: single nucleotide variant.
Coding change: c.2259G>A on transcript NM_004655.4 (MANE Select); coding-DNA position 2259, G replaced by A.
Protein change: p.Leu753=; no amino-acid change (leucine 753 retained).
Molecular consequence: synonymous variant.
Genome position (GRCh38, 1-based): chr17:65,534,058, C>T on the plus strand (G>A on the coding strand, the complement: AXIN2 is on the minus strand). VCF-style: chr17-65534058-C-T. GRCh37 (hg19) VCF-style: chr17-63530176-C-T.
Other names: c.2064G>A, p.Leu688= (NM_001363813.1).
Identifiers: ClinVar variation 3379089 (VCV003379089.1).

ClinVar aggregate classification (germline): Benign (1 of 4 stars; one submission).

Conditions:
Oligodontia-cancer predisposition syndrome. Also called: TOOTH AGENESIS-COLORECTAL CANCER SYNDROME. Identifiers: Orphanet 300576, MedGen C1837750, MONDO:0012075, OMIM 608615. Disease mechanism: loss of function.

Submission:

Myriad Genetics, Inc.
Classification: Benign for Oligodontia-cancer predisposition syndrome. Last evaluated: 2024-07-10. Review status: criteria provided, single submitter. Criteria: Myriad Autosomal Dominant, Autosomal Recessive and X-Linked Classification Criteria (2023). Collection method: clinical testing. Allele origin: unknown.
Comment: This variant is considered benign. This variant is a silent/synonymous amino acid change and it is not expected to impact splicing.